The following is an entry in ClinVar:

NM_001035.3(RYR2):c.9595A>G (p.Thr3199Ala)

Gene: RYR2 (ryanodine receptor 2; plus strand). Cytogenetic location: 1q43.
Variant type: single nucleotide variant.
Coding change: c.9595A>G on transcript NM_001035.3 (MANE Select); coding-DNA position 9595, A replaced by G.
Protein change: p.Thr3199Ala; replaces threonine 3199 with alanine.
Molecular consequence: missense variant.
Genome position (GRCh38, 1-based): chr1:237,706,963, A>G. VCF-style: chr1-237706963-A-G. GRCh37 (hg19) VCF-style: chr1-237870263-A-G.
Other names: short protein forms T3199A.
Identifiers: ClinVar variation 3071187 (VCV003071187.3), dbSNP rs2547401022, ClinGen allele CA345408286.

ClinVar aggregate classification (germline): Conflicting classifications of pathogenicity. Review status: criteria provided, conflicting classifications (1 of 4 stars). 3 submissions from 3 submitters: Uncertain significance (2); Likely benign (1). Last evaluated 2025-07-18.

Conditions:
Catecholaminergic polymorphic ventricular tachycardia (CVPT). Also called: Catecholamine-induced polymorphic ventricular tachycardia. Identifiers: Orphanet 3286, MedGen C5574922, MONDO:0017990.
Catecholaminergic polymorphic ventricular tachycardia 1. Also called: VENTRICULAR TACHYCARDIA, CATECHOLAMINERGIC POLYMORPHIC, 1, WITH OR WITHOUT ATRIAL DYSFUNCTION AND/OR DILATED CARDIOMYOPATHY; VENTRICULAR TACHYCARDIA, STRESS-INDUCED POLYMORPHIC 1; RYR2-Related Catecholaminergic Polymorphic Ventricular Tachycardia. Identifiers: Orphanet 3286, MedGen C1631597, MONDO:0011484, OMIM 604772.

Submissions (3):

Labcorp Genetics (formerly Invitae), Labcorp
Classification: Uncertain significance for Catecholaminergic polymorphic ventricular tachycardia 1. Last evaluated: 2025-07-18. Review status: criteria provided, single submitter. Criteria: Invitae Variant Classification Sherloc (09022015). Collection method: clinical testing. Allele origin: germline.
Comment: This sequence change replaces threonine, which is neutral and polar, with alanine, which is neutral and non-polar, at codon 3199 of the RYR2 protein (p.Thr3199Ala). This variant is not present in population databases (gnomAD no frequency). This variant has not been reported in the literature in individuals affected with RYR2-related conditions. ClinVar contains an entry for this variant (Variation ID: 3071187). Invitae Evidence Modeling of protein sequence and biophysical properties (such as structural, functional, and spatial information, amino acid conservation, physicochemical variation, residue mobility, and thermodynamic stability) indicates that this missense variant is not expected to disrupt RYR2 protein function with a negative predictive value of 95%. In summary, the available evidence is currently insufficient to determine the role of this variant in disease. Therefore, it has been classified as a Variant of Uncertain Significance.

All of Us Research Program, National Institutes of Health
Classification: Uncertain significance for Catecholaminergic polymorphic ventricular tachycardia. Last evaluated: 2023-05-31. Review status: criteria provided, single submitter. Criteria: ACMG Guidelines, 2015. Collection method: clinical testing. Allele origin: germline. Inheritance: Autosomal dominant inheritance. Observed: 1 variant allele, 1 heterozygote.
Comment: This study involves interpretation of variants in research participants for the purpose of population health screening. Participant phenotype was not available at the time of variant classification. Additional details can be found in publication PMID: 35346344, PMCID: PMC8962531

Blueprint Genetics
Classification: Likely benign. Last evaluated: 2022-02-07. Review status: criteria provided, single submitter. Criteria: ACMG Guidelines, 2015. Collection method: clinical testing. Allele origin: germline.